The following is an entry in ClinVar:

NM_001298.3(CNGA3):c.1483G>C (p.Val495Leu)

Gene: CNGA3 (cyclic nucleotide gated channel subunit alpha 3; plus strand). Cytogenetic location: 2q11.2.
Variant type: single nucleotide variant.
Coding change: c.1483G>C on transcript NM_001298.3 (MANE Select); coding-DNA position 1483, G replaced by C.
Protein change: p.Val495Leu; replaces valine 495 with leucine.
Molecular consequence: missense variant.
Genome position (GRCh38, 1-based): chr2:98,396,653, G>C. VCF-style: chr2-98396653-G-C. GRCh37 (hg19) VCF-style: chr2-99013116-G-C.
Other names: c.1429G>C, p.Val477Leu (NM_001079878.2); short protein forms V477L, V495L.
Identifiers: ClinVar variation 933288 (VCV000933288.12), dbSNP rs778681224, ClinGen allele CA347833648.

ClinVar aggregate classification (germline): Uncertain significance. Review status: criteria provided, multiple submitters, no conflicts (2 of 4 stars). 3 submissions from 3 submitters: Uncertain significance (3). Last evaluated 2026-01-26.

Conditions:
Inborn genetic diseases. Identifiers: MedGen C0950123, MeSH D030342.

Allele frequency attached by ClinVar (database versions not stated): TOPMed 0.00001.
gnomAD v4.1: 3 of 1,614,136 alleles (0.00019%); highest among the groups gnomAD compares: East Asian, 0.0045%; no homozygotes.

Submissions (3):

Dasa
Classification: Uncertain significance. Last evaluated: 2026-01-26. Review status: criteria provided, single submitter. Criteria: DASA Assertion Criteria. Collection method: clinical testing. Allele origin: germline.
Comment: NM_001298.3(CNGA3):c.1483G>C (p.Val495Leu) is a missense variant that results in the substitution of valine with leucine. This variant is rare in population databases. Computational prediction algorithms are consistent with a deleterious effect. The currently available literature and clinical evidence are not sufficient to establish a definitive association between this variant and the reported condition. Therefore, this variant is classified as a variant of uncertain significance.

Ambry Genetics
Classification: Uncertain significance for Inborn genetic diseases. Last evaluated: 2024-01-22. Review status: criteria provided, single submitter. Criteria: Ambry Variant Classification Scheme 2023. Collection method: clinical testing. Allele origin: germline.

Labcorp Genetics (formerly Invitae), Labcorp
Classification: Uncertain significance. Last evaluated: 2022-06-04. Review status: criteria provided, single submitter. Criteria: Invitae Variant Classification Sherloc (09022015). Collection method: clinical testing. Allele origin: germline.
Comment: This sequence change replaces valine, which is neutral and non-polar, with leucine, which is neutral and non-polar, at codon 495 of the CNGA3 protein (p.Val495Leu). This variant is present in population databases (no rsID available, gnomAD 0.006%). This variant has not been reported in the literature in individuals affected with CNGA3-related conditions. ClinVar contains an entry for this variant (Variation ID: 933288). Advanced modeling of protein sequence and biophysical properties (such as structural, functional, and spatial information, amino acid conservation, physicochemical variation, residue mobility, and thermodynamic stability) performed at Invitae indicates that this missense variant is expected to disrupt CNGA3 protein function. In summary, the available evidence is currently insufficient to determine the role of this variant in disease. Therefore, it has been classified as a Variant of Uncertain Significance.